The following is an entry in ClinVar:

NM_001126108.2(SLC12A3):c.2521G>C (p.Gly841Arg)

Gene: SLC12A3 (solute carrier family 12 member 3; plus strand). Cytogenetic location: 16q13.
Variant type: single nucleotide variant.
Coding change: c.2521G>C on transcript NM_001126108.2 (MANE Select); coding-DNA position 2521, G replaced by C.
Protein change: p.Gly841Arg; replaces glycine 841 with arginine.
Molecular consequence: missense variant.
Genome position (GRCh38, 1-based): chr16:56,893,054, G>C. VCF-style: chr16-56893054-G-C. GRCh37 (hg19) VCF-style: chr16-56926966-G-C.
Other names: c.2548G>C, p.Gly850Arg (NM_000339.3); c.2545G>C, p.Gly849Arg (NM_001126107.2); short protein forms G841R, G849R, G850R.
Identifiers: ClinVar variation 1684164 (VCV001684164.4), dbSNP rs769412145, ClinGen allele CA395996479.

ClinVar aggregate classification (germline): Conflicting classifications of pathogenicity. Review status: criteria provided, conflicting classifications (1 of 4 stars). 4 submissions from 4 submitters: Pathogenic (1); Likely pathogenic (2); Uncertain significance (1). Last evaluated 2025-11-11.

Conditions:
SLC12A3-related disorder. Also called: SLC12A3-related condition.
Familial hypokalemia-hypomagnesemia (GTLMNS). Also called: HYPOMAGNESEMIA-HYPOKALEMIA, PRIMARY RENOTUBULAR, WITH HYPOCALCIURIA; POTASSIUM AND MAGNESIUM DEPLETION; gitelman syndrome. Identifiers: Orphanet 358, MedGen C0268450, MONDO:0009904, OMIM 263800.

Submissions (4):

Women's Health and Genetics/Laboratory Corporation of America, LabCorp
Classification: Likely pathogenic for Familial hypokalemia-hypomagnesemia. Last evaluated: 2025-11-11. Review status: criteria provided, single submitter. Criteria: LabCorp Variant Classification Summary - May 2015. Collection method: clinical testing. Allele origin: germline.
Comment: Variant summary: SLC12A3 c.2548G>C (p.Gly850Arg) results in a non-conservative amino acid change in the encoded protein sequence. Algorithms developed to predict the effect of missense changes on protein structure and function all suggest that this variant is likely to be disruptive. Several computational tools predict a significant impact on normal splicing: One predict the variant abolishes a 5' splicing donor site. Three predict the variant weakens a 5' donor site. At least one publication reports experimental evidence that this variant affects mRNA splicing (Shi_2023). The variant was absent in 250198 control chromosomes. c.2548G>C has been observed in individual(s) affected with Gitelman syndrome (Vargas-Poussou_2011, Glaudemans_2012, Roser_2009). These data indicate that the variant may be associated with disease. The following publications have been ascertained in the context of this evaluation (PMID: 22009145, 19349556, 36597580, 21415153). ClinVar contains an entry for this variant (Variation ID: 1684164). Based on the evidence outlined above, the variant was classified as likely pathogenic.

Labcorp Genetics (formerly Invitae), Labcorp
Classification: Uncertain significance. Last evaluated: 2025-06-01. Review status: criteria provided, single submitter. Criteria: Invitae Variant Classification Sherloc (09022015). Collection method: clinical testing. Allele origin: germline.
Comment: This sequence change replaces glycine, which is neutral and non-polar, with arginine, which is basic and polar, at codon 850 of the SLC12A3 protein (p.Gly850Arg). This variant also falls at the last nucleotide of exon 21, which is part of the consensus splice site for this exon. This variant is not present in population databases (gnomAD no frequency). This missense change has been observed in individual(s) with Gitelman syndrome (PMID: 21415153, 36302598). ClinVar contains an entry for this variant (Variation ID: 1684164). An algorithm developed to predict the effect of missense changes on protein structure and function (PolyPhen-2) suggests that this variant is likely to be disruptive. Variants that disrupt the consensus splice site are a relatively common cause of aberrant splicing (PMID: 17576681, 9536098). Studies have shown that this missense change alters mRNA splicing and is expected to lead to the loss of protein expression (PMID: 36597580). In summary, the available evidence is currently insufficient to determine the role of this variant in disease. Therefore, it has been classified as a Variant of Uncertain Significance.

European Hospital Georges Pompidou Genetics Department, Assistance Publique - Hôpitaux de Paris AP-HP
Classification: Likely pathogenic for Familial hypokalemia-hypomagnesemia. Last evaluated: 2022-04-27. Review status: criteria provided, single submitter. Criteria: ACMG Guidelines, 2015. Collection method: clinical testing. Allele origin: germline. Affected: yes.
Comment: ACMG criteria used:PVS1 PM1 PM2 PM3 PP5

Blueprint Genetics
Classification: Pathogenic for SLC12A3-related disorders. Last evaluated: 2021-03-10. Review status: criteria provided, single submitter. Criteria: ACMG Guidelines, 2015. Collection method: clinical testing. Allele origin: germline. Affected: yes. Observed: 2 variant alleles.

Literature cited by the submitters: PubMed 22009145 (cited by Women's Health and Genetics/Laboratory Corporation of America, LabCorp); PubMed 21415153 (cited by Women's Health and Genetics/Laboratory Corporation of America, LabCorp and Labcorp Genetics (formerly Invitae), Labcorp); PubMed 19349556 (cited by Women's Health and Genetics/Laboratory Corporation of America, LabCorp); PubMed 36597580 (cited by Women's Health and Genetics/Laboratory Corporation of America, LabCorp and Labcorp Genetics (formerly Invitae), Labcorp); PubMed 36302598 (cited by Labcorp Genetics (formerly Invitae), Labcorp); PubMed 17576681 (cited by Labcorp Genetics (formerly Invitae), Labcorp); PubMed 9536098 (cited by Labcorp Genetics (formerly Invitae), Labcorp).